The following is an entry in ClinVar:

NM_000350.3(ABCA4):c.3280C>A (p.Pro1094Thr)

Gene: ABCA4 (ATP binding cassette subfamily A member 4; minus strand). Cytogenetic location: 1p22.1.
Variant type: single nucleotide variant.
Coding change: c.3280C>A on transcript NM_000350.3 (MANE Select); coding-DNA position 3280, C replaced by A.
Protein change: p.Pro1094Thr; replaces proline 1094 with threonine.
Molecular consequence: missense variant.
Genome position (GRCh38, 1-based): chr1:94,042,809, G>T on the plus strand (C>A on the coding strand, the complement: ABCA4 is on the minus strand). VCF-style: chr1-94042809-G-T. GRCh37 (hg19) VCF-style: chr1-94508365-G-T.
Other names: c.3058C>A, p.Pro1020Thr (NM_001425324.1); short protein forms P1094T, P1020T.
Identifiers: ClinVar variation 2202791 (VCV002202791.4), dbSNP rs752042614, ClinGen allele CA341292084.

ClinVar aggregate classification (germline): Pathogenic (1 of 4 stars; one submission).

Submission:

Labcorp Genetics (formerly Invitae), Labcorp
Classification: Pathogenic. Last evaluated: 2022-04-15. Review status: criteria provided, single submitter. Criteria: Invitae Variant Classification Sherloc (09022015). Collection method: clinical testing. Allele origin: germline.
Comment: This sequence change replaces proline, which is neutral and non-polar, with threonine, which is neutral and polar, at codon 1094 of the ABCA4 protein (p.Pro1094Thr). This variant is not present in population databases (gnomAD no frequency). This missense change has been observed in individual(s) with Stargardt disease (PMID: 26780318). Advanced modeling of protein sequence and biophysical properties (such as structural, functional, and spatial information, amino acid conservation, physicochemical variation, residue mobility, and thermodynamic stability) performed at Invitae indicates that this missense variant is expected to disrupt ABCA4 protein function. This variant disrupts the p.Pro1094 amino acid residue in ABCA4. Other variant(s) that disrupt this residue have been determined to be pathogenic (PMID: 23755871; Invitae). This suggests that this residue is clinically significant, and that variants that disrupt this residue are likely to be disease-causing. For these reasons, this variant has been classified as Pathogenic.

Literature cited by the submitters: PubMed 26780318; PubMed 23755871.